The following is an entry in ClinVar:

NM_001003722.2(GLE1):c.1054C>T (p.Gln352Ter)

Gene: GLE1 (GLE1 RNA export mediator; plus strand). Cytogenetic location: 9q34.11.
Variant type: single nucleotide variant.
Coding change: c.1054C>T on transcript NM_001003722.2 (MANE Select); coding-DNA position 1054, C replaced by T.
Protein change: p.Gln352Ter; replaces glutamine 352 with a stop codon.
Molecular consequence: nonsense.
Genome position (GRCh38, 1-based): chr9:128,525,348, C>T. VCF-style: chr9-128525348-C-T. GRCh37 (hg19) VCF-style: chr9-131287627-C-T.
Other names: c.1054C>T, p.Gln352Ter (NM_001411013.1, NM_001499.2); short protein forms Q352*.
Identifiers: ClinVar variation 3606212 (VCV003606212.3).

ClinVar aggregate classification (germline): Pathogenic/Likely pathogenic. Review status: criteria provided, multiple submitters, no conflicts (2 of 4 stars). 2 submissions from 2 submitters: Pathogenic (1); Likely pathogenic (1). Last evaluated 2024-11-07.

Conditions:
Lethal congenital contractural syndrome Finnish type.

gnomAD v4.1: 1 of 1,613,598 alleles (0.000062%); highest among the groups gnomAD compares: African/African-American, 0.0013%; no homozygotes.

Submissions (2):

Natera, Inc.
Classification: Likely pathogenic for Lethal congenital contractural syndrome Finnish type. Last evaluated: 2024-11-07. Review status: criteria provided, single submitter. Criteria: Natera Variant Classification Schema (03/2026). Collection method: clinical testing. Allele origin: germline.
Comment: The c.1054C>T variant in GLE1 is a nonsense variant predicted to introduce a stop codon at amino acid 352. This variant is expected to result in nonsense mediated decay, truncation, or a dysfunctional protein product. This variant is rare in the general population with a frequency below the threshold expected for the associated phenotype(s). Given the available evidence, this variant is classified as Likely Pathogenic.

Labcorp Genetics (formerly Invitae), Labcorp
Classification: Pathogenic. Last evaluated: 2024-03-18. Review status: criteria provided, single submitter. Criteria: Invitae Variant Classification Sherloc (09022015). Collection method: clinical testing. Allele origin: germline.
Comment: This sequence change creates a premature translational stop signal (p.Gln352*) in the GLE1 gene. It is expected to result in an absent or disrupted protein product. Loss-of-function variants in GLE1 are known to be pathogenic (PMID: 18204449, 24243016, 27684565). This variant is not present in population databases (gnomAD no frequency). This variant has not been reported in the literature in individuals affected with GLE1-related conditions. Algorithms developed to predict the effect of sequence changes on RNA splicing suggest that this variant may disrupt the consensus splice site. For these reasons, this variant has been classified as Pathogenic.

Literature cited by the submitters: PubMed 18204449 (cited by Labcorp Genetics (formerly Invitae), Labcorp); PubMed 24243016 (cited by Labcorp Genetics (formerly Invitae), Labcorp); PubMed 27684565 (cited by Labcorp Genetics (formerly Invitae), Labcorp).